The following is an entry in ClinVar:

NM_001323289.2(CDKL5):c.2091del (p.Glu699fs)

Gene: CDKL5 (cyclin dependent kinase like 5; plus strand). Cytogenetic location: Xp22.13.
Variant type: Deletion.
Coding change: c.2091del on transcript NM_001323289.2 (MANE Select); coding-DNA position 2091, one base deleted (C; older notation c.2091delC).
Protein change: p.Glu699fs; shifts the reading frame from glutamic acid 699.
Molecular consequence: frameshift variant.
Genome position (GRCh38, 1-based): chrX:18,609,509, C deleted; the last of 5 consecutive C bases (chrX:18,609,505-18,609,509); deleting any one gives the same sequence. VCF-style (leftmost placement, unchanged base first): chrX-18609504-GC-G. GRCh37 (hg19) VCF-style: chrX-18627624-GC-G.
Other names: c.2091del, p.Glu699fs (NM_001037343.2, NM_003159.3); short protein forms E699fs.
Identifiers: ClinVar variation 2127982 (VCV002127982.4), dbSNP rs2518881185, ClinGen allele CA2580100500.

ClinVar aggregate classification (germline): Pathogenic (1 of 4 stars; one submission).

Conditions:
Developmental and epileptic encephalopathy, 2 (DEE2). Also called: INFANTILE SPASM SYNDROME, X-LINKED 2; CDKL5 deficiency disorder. Identifiers: Orphanet 1934, Orphanet 3451, Orphanet 505652, MedGen C4750718, MONDO:0010396, OMIM 300672.
Angelman syndrome-like. Identifiers: MedGen CN128785.

Submission:

Labcorp Genetics (formerly Invitae), Labcorp
Classification: Pathogenic for Developmental and epileptic encephalopathy, 2; Angelman syndrome-like. Last evaluated: 2022-04-19. Review status: criteria provided, single submitter. Criteria: Invitae Variant Classification Sherloc (09022015). Collection method: clinical testing. Allele origin: germline.
Comment: For these reasons, this variant has been classified as Pathogenic. This variant has not been reported in the literature in individuals affected with CDKL5-related conditions. This variant is not present in population databases (gnomAD no frequency). This sequence change creates a premature translational stop signal (p.Glu699Lysfs*85) in the CDKL5 gene. It is expected to result in an absent or disrupted protein product. Loss-of-function variants in CDKL5 are known to be pathogenic (PMID: 22872100).

Literature cited by the submitters: PubMed 22872100.